The following is an entry in ClinVar:

ClinVar aggregate classification (germline): Uncertain significance (1 of 4 stars; one submission).

Allele frequency attached by ClinVar (database versions not stated): gnomAD exomes below 0.00001; TOPMed below 0.00001.

Submission:

Labcorp Genetics (formerly Invitae), Labcorp
Classification: Uncertain significance. Last evaluated: 2023-04-06. Review status: criteria provided, single submitter. Criteria: Invitae Variant Classification Sherloc (09022015). Collection method: clinical testing. Allele origin: germline.
Comment: This sequence change replaces phenylalanine, which is neutral and non-polar, with serine, which is neutral and polar, at codon 354 of the ACAN protein (p.Phe354Ser). This variant is not present in population databases (gnomAD no frequency). This variant has not been reported in the literature in individuals affected with ACAN-related conditions. Advanced modeling of protein sequence and biophysical properties (such as structural, functional, and spatial information, amino acid conservation, physicochemical variation, residue mobility, and thermodynamic stability) performed at Invitae indicates that this missense variant is not expected to disrupt ACAN protein function. In summary, the available evidence is currently insufficient to determine the role of this variant in disease. Therefore, it has been classified as a Variant of Uncertain Significance.

NM_001369268.1(ACAN):c.1061T>C (p.Phe354Ser)

Gene: ACAN (aggrecan; plus strand). Cytogenetic location: 15q26.1.
Variant type: single nucleotide variant.
Coding change: c.1061T>C on transcript NM_001369268.1 (MANE Select); coding-DNA position 1061, T replaced by C.
Protein change: p.Phe354Ser; replaces phenylalanine 354 with serine.
Molecular consequence: missense variant.
Genome position (GRCh38, 1-based): chr15:88,845,514, T>C. VCF-style: chr15-88845514-T-C. GRCh37 (hg19) VCF-style: chr15-89388745-T-C.
Other names: c.1061T>C, p.Phe354Ser (NM_001135.4, NM_001411096.1, NM_001411097.1 and 1 more transcripts); short protein forms F354S.
Identifiers: ClinVar variation 2830996 (VCV002830996.3), dbSNP rs749910732, ClinGen allele CA393709170.
Genomic context (GRCh38, chr15:88,845,514, plus strand): 5'-CAAGCCGGTCCCAGGCTGAGAGGCTAAAGCTTGTCTTTGCCCCTCCCCTAGGTGAAGACT[T>C]TGTGGACATCCCAGAAAACTTCTTTGGAGTGGGGGGTGAGGAGGACATCACCGTCCAGAC-3'
Protein context (NP_001356197.1, residues 344-364): YDAICYTGED[Phe354Ser]VDIPENFFGV